The following is an entry in ClinVar:

NM_152383.5(DIS3L2):c.795C>T (p.Tyr265=)

Gene: DIS3L2 (DIS3 like 3'-5' exoribonuclease 2; plus strand). Cytogenetic location: 2q37.1.
Variant type: single nucleotide variant.
Coding change: c.795C>T on transcript NM_152383.5 (MANE Select); coding-DNA position 795, C replaced by T.
Protein change: p.Tyr265=; no amino-acid change (tyrosine 265 retained).
Molecular consequence: synonymous variant. On other transcripts: non-coding transcript variant (1).
Genome position (GRCh38, 1-based): chr2:232,136,564, C>T. VCF-style: chr2-232136564-C-T. GRCh37 (hg19) VCF-style: chr2-233001274-C-T.
Other names: c.795C>T, p.Tyr265= (NM_001257281.2).
Identifiers: ClinVar variation 241986 (VCV000241986.43), dbSNP rs202042951, ClinGen allele CA2163952.

ClinVar aggregate classification (germline): Conflicting classifications of pathogenicity. Review status: criteria provided, conflicting classifications (1 of 4 stars). 6 submissions from 6 submitters: Uncertain significance (1); Benign (1); Likely benign (2). 2 of the submissions do not count toward it. Last evaluated 2026-03-01.

Conditions:
DIS3L2-related disorder. Also called: DIS3L2-related condition.
Perlman syndrome (PRLMNS). Identifiers: Orphanet 2849, MedGen C0796113, MONDO:0009965, OMIM 267000.

Allele frequency attached by ClinVar (database versions not stated): TOPMed 0.00039; ExAC 0.00047; gnomAD 0.00047; gnomAD exomes 0.00048; 1000 Genomes Project 0.00060; 1000 Genomes Project 30x 0.00062; ESP Exome Variant Server 0.00067.
gnomAD v4.1: 982 of 1,614,030 alleles (0.061%); highest among the groups gnomAD compares: Non-Finnish European, 0.071%; 1 homozygote.

Submissions (6):

CeGaT Center for Human Genetics Tuebingen
Classification: Likely benign. Last evaluated: 2026-03-01. Review status: criteria provided, single submitter. Criteria: CeGaT Center For Human Genetics Tuebingen Variant Classification Criteria Version 2. Collection method: clinical testing. Allele origin: germline. Affected: yes. Observed: 10 variant alleles.
Comment: DIS3L2: BP4, BP7

Labcorp Genetics (formerly Invitae), Labcorp
Classification: Benign for Perlman syndrome. Last evaluated: 2026-02-01. Review status: criteria provided, single submitter. Criteria: Invitae Variant Classification Sherloc (09022015). Collection method: clinical testing. Allele origin: germline.

Blueprint Genetics
Classification: Likely benign. Last evaluated: 2024-11-13. Review status: criteria provided, single submitter. Criteria: ACMG Guidelines, 2015. Collection method: clinical testing. Allele origin: germline.

Illumina Laboratory Services, Illumina
Classification: Uncertain significance for Perlman syndrome. Last evaluated: 2018-01-12. Review status: criteria provided, single submitter. Criteria: ICSL Variant Classification Criteria 13 December 2019. Collection method: clinical testing. Allele origin: germline.

Genetic Services Laboratory, University of Chicago
Classification: Likely benign. Last evaluated: 2022-08-01. Review status: no assertion criteria provided. Collection method: clinical testing. Allele origin: germline. Affected: no. Not counted in ClinVar's aggregate classification.

PreventionGenetics, part of Exact Sciences
Classification: Likely benign for DIS3L2-related condition. Last evaluated: 2019-06-12. Review status: no assertion criteria provided. Collection method: clinical testing. Allele origin: germline. Not counted in ClinVar's aggregate classification.
Comment: This variant is classified as likely benign based on ACMG/AMP sequence variant interpretation guidelines (Richards et al. 2015 PMID: 25741868, with internal and published modifications).